The following is an entry in ClinVar:

ClinVar aggregate classification (germline): Uncertain significance (1 of 4 stars; one submission).

Conditions:
Cardiovascular phenotype. Identifiers: MedGen CN230736.

Submission:

Ambry Genetics
Classification: Uncertain significance for Cardiovascular phenotype. Last evaluated: 2025-12-09. Review status: criteria provided, single submitter. Criteria: Ambry Variant Classification Scheme 2023. Collection method: clinical testing. Allele origin: germline.
Comment: The p.Y53H variant (also known as c.157T>C), located in coding exon 1 of the KCNJ5 gene, results from a T to C substitution at nucleotide position 157. The tyrosine at codon 53 is replaced by histidine, an amino acid with similar properties. This amino acid position is highly conserved in available vertebrate species. In addition, this alteration is predicted to be deleterious by in silico analysis. Based on the available evidence, the clinical significance of this variant remains unclear.

NM_000890.5(KCNJ5):c.157T>C (p.Tyr53His)

Gene: KCNJ5 (potassium inwardly rectifying channel subfamily J member 5; plus strand). Cytogenetic location: 11q24.3.
Variant type: single nucleotide variant.
Coding change: c.157T>C on transcript NM_000890.5 (MANE Select); coding-DNA position 157, T replaced by C.
Protein change: p.Tyr53His; replaces tyrosine 53 with histidine.
Molecular consequence: missense variant.
Genome position (GRCh38, 1-based): chr11:128,911,430, T>C. VCF-style: chr11-128911430-T-C. GRCh37 (hg19) VCF-style: chr11-128781325-T-C.
Other names: c.157T>C, p.Tyr53His (NM_001354169.2); short protein forms Y53H.
Identifiers: ClinVar variation 4614397 (VCV004614397.1).
Genomic context (GRCh38, chr11:128,911,430, plus strand): 5'-GTCCCCATTGCCACAGACCGTACGCGCCTGCTGGCCGAGGGCAAGAAGCCACGCCAGCGC[T>C]ACATGGAGAAGAGTGGCAAGTGCAACGTGCACCACGGCAACGTCCAGGAGACCTACCGGT-3'
Protein context (NP_000881.3, residues 43-63): LAEGKKPRQR[Tyr53His]MEKSGKCNVH